The following is an entry in ClinVar:

NM_000552.5(VWF):c.6385G>T (p.Glu2129Ter)

Gene: VWF (von Willebrand factor; minus strand). Cytogenetic location: 12p13.31.
Variant type: single nucleotide variant.
Coding change: c.6385G>T on transcript NM_000552.5 (MANE Select); coding-DNA position 6385, G replaced by T.
Protein change: p.Glu2129Ter; replaces glutamic acid 2129 with a stop codon.
Molecular consequence: nonsense.
Genome position (GRCh38, 1-based): chr12:5,994,075, C>A on the plus strand (G>T on the coding strand, the complement: VWF is on the minus strand). VCF-style: chr12-5994075-C-A. GRCh37 (hg19) VCF-style: chr12-6103241-C-A.
Other names: c.6385G>T (NM_000552.4); short protein forms E2129*.
Identifiers: ClinVar variation 100438 (VCV000100438.2), dbSNP rs61750617, ClinGen allele CA228738.

ClinVar aggregate classification (germline): Pathogenic. Review status: criteria provided, single submitter (1 of 4 stars). 2 submissions from 2 submitters: Pathogenic (1). 1 of the submissions does not count toward it. Last evaluated 2023-11-17.

gnomAD v4.1: 1 of 1,614,194 alleles (0.000062%); highest among the groups gnomAD compares: Non-Finnish European, 0.000085%; no homozygotes.

Submissions (2):

Quest Diagnostics Nichols Institute San Juan Capistrano
Classification: Pathogenic. Last evaluated: 2023-11-17. Review status: criteria provided, single submitter. Criteria: Quest Diagnostics criteria. Collection method: clinical testing. Allele origin: unknown.
Comment: The VWF c.6385G>T (p.Glu2129*) variant causes the premature termination of VWF protein synthesis. This variant has been reported in the published literature along with another nonsense variant (S1338X) in at least one individual with Type 3 von Willebrand Disease (PMIDs: 11057846 (2000) and 12737944 (2033)). This variant has not been reported in large, multi-ethnic general populations (Genome Aggregation Database). Based on the available information, this variant is classified as pathogenic.

Academic Unit of Haematology, University of Sheffield
No classification provided. Review status: no classification provided. Collection method: not provided. Allele origin: not provided. Not counted in ClinVar's aggregate classification.

Literature cited by the submitters: PubMed 12737944 (cited by Quest Diagnostics Nichols Institute San Juan Capistrano); PubMed 11057846 (cited by Quest Diagnostics Nichols Institute San Juan Capistrano); PubMed 25525159 (cited by Quest Diagnostics Nichols Institute San Juan Capistrano).